The following is an entry in ClinVar:

NM_018669.6(WDR4):c.806A>G (p.Tyr269Cys)

Gene: WDR4 (WDR4 tRNA N7-guanosine methyltransferase non-catalytic subunit; minus strand). Cytogenetic location: 21q22.3.
Variant type: single nucleotide variant.
Coding change: c.806A>G on transcript NM_018669.6 (MANE Select); coding-DNA position 806, A replaced by G.
Protein change: p.Tyr269Cys; replaces tyrosine 269 with cysteine.
Molecular consequence: missense variant. On other transcripts: non-coding transcript variant (1).
Genome position (GRCh38, 1-based): chr21:42,853,738, T>C on the plus strand (A>G on the coding strand, the complement: WDR4 is on the minus strand). VCF-style: chr21-42853738-T-C. GRCh37 (hg19) VCF-style: chr21-44273848-T-C.
Other names: c.803A>G, p.Tyr268Cys (NM_001260474.2); c.368A>G, p.Tyr123Cys (NM_001260475.2, NM_001260476.2, NM_001260477.2); c.806A>G, p.Tyr269Cys (NM_033661.5); short protein forms Y123C, Y268C, Y269C.
Identifiers: ClinVar variation 3687690 (VCV003687690.2).

ClinVar aggregate classification (germline): Uncertain significance (1 of 4 stars; one submission).

gnomAD v4.1: 2 of 1,558,338 alleles (0.00013%); highest among the groups gnomAD compares: Admixed American, 0.0019%; no homozygotes.

Submission:

Labcorp Genetics (formerly Invitae), Labcorp
Classification: Uncertain significance. Last evaluated: 2025-09-03. Review status: criteria provided, single submitter. Criteria: Invitae Variant Classification Sherloc (09022015). Collection method: clinical testing. Allele origin: germline.
Comment: This sequence change replaces tyrosine, which is neutral and polar, with cysteine, which is neutral and slightly polar, at codon 269 of the WDR4 protein (p.Tyr269Cys). The frequency data for this variant in the population databases is considered unreliable, as metrics indicate poor data quality at this position in the gnomAD database. This variant has not been reported in the literature in individuals affected with WDR4-related conditions. ClinVar contains an entry for this variant (Variation ID: 3687690). Invitae Evidence Modeling of protein sequence and biophysical properties (such as structural, functional, and spatial information, amino acid conservation, physicochemical variation, residue mobility, and thermodynamic stability) indicates that this missense variant is not expected to disrupt WDR4 protein function with a negative predictive value of 80%. In summary, the available evidence is currently insufficient to determine the role of this variant in disease. Therefore, it has been classified as a Variant of Uncertain Significance.